The following is an entry in ClinVar:

ClinVar aggregate classification (germline): Uncertain significance (1 of 4 stars; one submission).

Conditions:
Hereditary cancer-predisposing syndrome. Also called: Neoplastic Syndromes, Hereditary; Tumor predisposition; Hereditary neoplastic syndrome; Hereditary Cancer Syndrome. Identifiers: Orphanet 140162, MedGen C0027672, MeSH D009386, MONDO:0015356.

Allele frequency attached by ClinVar (database versions not stated): gnomAD exomes below 0.00001; TOPMed below 0.00001.

Submission:

Ambry Genetics
Classification: Uncertain significance for Hereditary cancer-predisposing syndrome. Last evaluated: 2025-09-09. Review status: criteria provided, single submitter. Criteria: Ambry Variant Classification Scheme 2023. Collection method: clinical testing. Allele origin: germline.
Comment: The p.A132V variant (also known as c.395C>T), located in coding exon 2 of the TMEM127 gene, results from a C to T substitution at nucleotide position 395. The alanine at codon 132 is replaced by valine, an amino acid with similar properties. This amino acid position is highly conserved in available vertebrate species. In addition, the in silico prediction for this alteration is inconclusive. Based on the available evidence, the clinical significance of this variant remains unclear.

NM_017849.4(TMEM127):c.395C>T (p.Ala132Val)

Gene: TMEM127 (transmembrane protein 127; minus strand). Cytogenetic location: 2q11.2.
Variant type: single nucleotide variant.
Coding change: c.395C>T on transcript NM_017849.4 (MANE Select); coding-DNA position 395, C replaced by T.
Protein change: p.Ala132Val; replaces alanine 132 with valine.
Molecular consequence: missense variant.
Genome position (GRCh38, 1-based): chr2:96,254,847, G>A on the plus strand (C>T on the coding strand, the complement: TMEM127 is on the minus strand). VCF-style: chr2-96254847-G-A. GRCh37 (hg19) VCF-style: chr2-96920585-G-A.
Other names: c.395C>T, p.Ala132Val (NM_001193304.3); short protein forms A132V.
Identifiers: ClinVar variation 824428 (VCV000824428.5), dbSNP rs1573970073, ClinGen allele CA347653274.